The following is an entry in ClinVar:

NM_006514.4(SCN10A):c.5591G>A (p.Ser1864Asn)

Gene: SCN10A (sodium voltage-gated channel alpha subunit 10; minus strand). Cytogenetic location: 3p22.2.
Variant type: single nucleotide variant.
Coding change: c.5591G>A on transcript NM_006514.4 (MANE Select); coding-DNA position 5591, G replaced by A.
Protein change: p.Ser1864Asn; replaces serine 1864 with asparagine.
Molecular consequence: missense variant.
Genome position (GRCh38, 1-based): chr3:38,697,629, C>T on the plus strand (G>A on the coding strand, the complement: SCN10A is on the minus strand). VCF-style: chr3-38697629-C-T. GRCh37 (hg19) VCF-style: chr3-38739120-C-T.
Other names: c.5588G>A, p.Ser1863Asn (NM_001293306.2); c.5297G>A, p.Ser1766Asn (NM_001293307.2); short protein forms S1766N, S1864N, S1863N.
Identifiers: ClinVar variation 4841925 (VCV004841925.1).

ClinVar aggregate classification (germline): Uncertain significance (1 of 4 stars; one submission).

Conditions:
Cardiovascular phenotype. Identifiers: MedGen CN230736.

gnomAD v4.1: 5 of 1,614,192 alleles (0.00031%); highest among the groups gnomAD compares: Non-Finnish European, 0.00042%; no homozygotes.

Submission:

Ambry Genetics
Classification: Uncertain significance for Cardiovascular phenotype. Last evaluated: 2025-12-16. Review status: criteria provided, single submitter. Criteria: Ambry Variant Classification Scheme 2023. Collection method: clinical testing. Allele origin: germline.
Comment: The p.S1864N variant (also known as c.5591G>A), located in coding exon 27 of the SCN10A gene, results from a G to A substitution at nucleotide position 5591. The serine at codon 1864 is replaced by asparagine, an amino acid with highly similar properties. This amino acid position is conserved. In addition, this alteration is predicted to be tolerated by in silico analysis. Based on the available evidence, the clinical significance of this variant remains unclear.